The following is an entry in ClinVar:

NM_000465.4(BARD1):c.395dup (p.Leu132fs)

Gene: BARD1 (BRCA1 associated RING domain 1; minus strand). Cytogenetic location: 2q35.
Variant type: Duplication.
Coding change: c.395dup on transcript NM_000465.4 (MANE Select); coding-DNA position 395, one base duplicated (T; older notation c.395dupT).
Protein change: p.Leu132fs; shifts the reading frame from leucine 132.
Molecular consequence: frameshift variant. On other transcripts: non-coding transcript variant (2), intron variant (3).
Genome position (GRCh38, 1-based): chr2:214,781,479, A duplicated on the plus strand (T on the coding strand, the reverse complement: BARD1 is on the minus strand); the first of 3 consecutive A bases (chr2:214,781,479-214,781,481); duplicating any one gives the same sequence. VCF-style (leftmost placement, unchanged base first): chr2-214781478-C-CA. GRCh37 (hg19) VCF-style: chr2-215646202-C-CA.
Other names: c.338dup, p.Leu113fs (NM_001282543.2); c.158+27933dup (NM_001282548.2); c.215+15582dup (NM_001282545.2); c.364+10818dup (NM_001282549.2); short protein forms L113fs, L132fs.
Identifiers: ClinVar variation 1736505 (VCV001736505.2), dbSNP rs2469514179, ClinGen allele CA2580065717.
Genomic context (GRCh38, chr2:214,781,478, plus strand): 5'-CTTACTTCGAGGGCTAAACCACATTTTAATTGAATTCTTCTTGTTTCCTGCATCATTAAA[C>CA]AAACTTTTCCTAGGTTTATCTTCTTTCAAATCTGACAGAAAAAAAGAAAAAGAAATCTGT-3'

ClinVar aggregate classification (germline): Pathogenic (1 of 4 stars; one submission).

Conditions:
Hereditary cancer-predisposing syndrome. Also called: Neoplastic Syndromes, Hereditary; Tumor predisposition; Hereditary Cancer Syndrome; Hereditary neoplastic syndrome. Identifiers: Orphanet 140162, MedGen C0027672, MeSH D009386, MONDO:0015356.

Submission:

Ambry Genetics
Classification: Pathogenic for Hereditary cancer-predisposing syndrome. Last evaluated: 2021-08-25. Review status: criteria provided, single submitter. Criteria: Ambry Variant Classification Scheme 2023. Collection method: clinical testing. Allele origin: germline.
Comment: The c.395dupT pathogenic mutation, located in coding exon 4 of the BARD1 gene, results from a duplication of T at nucleotide position 395, causing a translational frameshift with a predicted alternate stop codon (p.L132Ffs*3). This variant is considered to be rare based on population cohorts in the Genome Aggregation Database (gnomAD). This alteration is expected to result in loss of function by premature protein truncation or nonsense-mediated mRNA decay. As such, this alteration is interpreted as a disease-causing mutation.